The following is an entry in ClinVar:

NM_001145784.2(BORCS8):c.202G>T (p.Glu68Ter)

Genes: BORCS8 (BLOC-1 related complex subunit 8; minus strand), BORCS8-MEF2B (BORCS8-MEF2B readthrough; minus strand). Cytogenetic location: 19p13.11.
Variant type: single nucleotide variant.
Coding change: c.202G>T on transcript NM_001145784.2 (MANE Select); coding-DNA position 202, G replaced by T.
Protein change: p.Glu68Ter; replaces glutamic acid 68 with a stop codon.
Molecular consequence: nonsense. On other transcripts: non-coding transcript variant (2), intron variant (1).
Genome position (GRCh38, 1-based): chr19:19,186,047, C>A on the plus strand (G>T on the coding strand, the complement: BORCS8 is on the minus strand). VCF-style: chr19-19186047-C-A. GRCh37 (hg19) VCF-style: chr19-19296856-C-A.
Other names: c.202G>T, p.Glu68Ter (NM_001145783.2); c.-216-3364G>T (NM_005919.4); short protein forms E68*.
Identifiers: ClinVar variation 4850390 (VCV004850390.1).

ClinVar aggregate classification (germline): Likely pathogenic (1 of 4 stars; one submission).

Conditions:
Neurodegeneration, infantile-onset, with optic atrophy and brain abnormalities. Identifiers: MedGen C5975477, MONDO:0975837.

gnomAD v4.1: 1 of 1,551,150 alleles (0.000064%); highest among the groups gnomAD compares: Middle Eastern, 0.018%; no homozygotes.

Submission:

First Genomix Gene Laboratory, Genetic Diagnostics Department
Classification: Likely pathogenic for Neurodegeneration, infantile-onset, with optic atrophy and structural brain abnormalities 1. Last evaluated: 2025-09-19. Review status: criteria provided, single submitter. Criteria: ACMG Guidelines, 2015. Collection method: clinical testing. Allele origin: germline. Inheritance: Autosomal recessive inheritance. Affected: no. Observed: 1 variant allele.